The following is an entry in ClinVar:

ClinVar aggregate classification (germline): Uncertain significance (1 of 4 stars; one submission).

Conditions:
Thrombophilia due to protein C deficiency, autosomal dominant. Also called: PROC DEFICIENCY, AUTOSOMAL DOMINANT; PROTEIN C DEFICIENCY, AUTOSOMAL DOMINANT. Identifiers: Orphanet 745, MedGen C2674321, MONDO:0008316, OMIM 176860. Disease mechanism: loss of function.

gnomAD v4.1: 1 of 1,614,092 alleles (0.000062%); highest among the groups gnomAD compares: Non-Finnish European, 0.000085%; no homozygotes.

Submission:

Labcorp Genetics (formerly Invitae), Labcorp
Classification: Uncertain significance for Thrombophilia due to protein C deficiency, autosomal dominant. Last evaluated: 2025-06-24. Review status: criteria provided, single submitter. Criteria: Invitae Variant Classification Sherloc (09022015). Collection method: clinical testing. Allele origin: germline.
Comment: This sequence change replaces alanine, which is neutral and non-polar, with proline, which is neutral and non-polar, at codon 309 of the PROC protein (p.Ala309Pro). This variant is not present in population databases (gnomAD no frequency). This variant has not been reported in the literature in individuals affected with PROC-related conditions. Invitae Evidence Modeling of protein sequence and biophysical properties (such as structural, functional, and spatial information, amino acid conservation, physicochemical variation, residue mobility, and thermodynamic stability) indicates that this missense variant is expected to disrupt PROC protein function with a positive predictive value of 80%. This variant disrupts the p.Ala309 amino acid residue in PROC. Other variant(s) that disrupt this residue have been determined to be pathogenic (PMID: 1347608, 19535131, 20815936, 21901152, 28607330). This suggests that this residue is clinically significant, and that variants that disrupt this residue are likely to be disease-causing. In summary, the available evidence is currently insufficient to determine the role of this variant in disease. Therefore, it has been classified as a Variant of Uncertain Significance.

Literature cited by the submitters: PubMed 1347608; PubMed 19535131; PubMed 20815936; PubMed 21901152; PubMed 28607330.

NM_000312.4(PROC):c.925G>C (p.Ala309Pro)

Gene: PROC (protein C, inactivator of coagulation factors Va and VIIIa; plus strand). Cytogenetic location: 2q14.3.
Variant type: single nucleotide variant.
Coding change: c.925G>C on transcript NM_000312.4 (MANE Select); coding-DNA position 925, G replaced by C.
Protein change: p.Ala309Pro; replaces alanine 309 with proline.
Molecular consequence: missense variant.
Genome position (GRCh38, 1-based): chr2:127,428,485, G>C. VCF-style: chr2-127428485-G-C. GRCh37 (hg19) VCF-style: chr2-128186061-G-C.
Other names: c.1108G>C, p.Ala370Pro (NM_001375602.1); c.1090G>C, p.Ala364Pro (NM_001375603.1); c.988G>C, p.Ala330Pro (NM_001375604.1); c.1027G>C, p.Ala343Pro (NM_001375605.1); c.1093G>C, p.Ala365Pro (NM_001375606.1); c.1111G>C, p.Ala371Pro (NM_001375607.1); c.868G>C, p.Ala290Pro (NM_001375608.1); c.901G>C, p.Ala301Pro (NM_001375609.1); and 2 more; short protein forms A330P, A365P, A301P, A307P, A364P, A370P, A309P, A290P.
Identifiers: ClinVar variation 4748352 (VCV004748352.1).